The following is an entry in ClinVar:

NM_000179.3(MSH6):c.3141G>C (p.Trp1047Cys)

Gene: MSH6 (mutS homolog 6; plus strand). Cytogenetic location: 2p16.3.
Variant type: single nucleotide variant.
Coding change: c.3141G>C on transcript NM_000179.3 (MANE Select); coding-DNA position 3141, G replaced by C.
Protein change: p.Trp1047Cys; replaces tryptophan 1047 with cysteine.
Molecular consequence: missense variant.
Genome position (GRCh38, 1-based): chr2:47,801,124, G>C. VCF-style: chr2-47801124-G-C. GRCh37 (hg19) VCF-style: chr2-48028263-G-C.
Other names: c.2751G>C, p.Trp917Cys (NM_001281492.2); c.2235G>C, p.Trp745Cys (NM_001281493.2, NM_001281494.2); short protein forms W1047C, W745C, W917C.
Identifiers: ClinVar variation 455234 (VCV000455234.13), dbSNP rs1553414554, ClinGen allele CA346756690.

ClinVar aggregate classification (germline): Uncertain significance. Review status: criteria provided, multiple submitters, no conflicts (2 of 4 stars). 2 submissions from 2 submitters: Uncertain significance (2). Last evaluated 2025-01-02.

Conditions:
Hereditary nonpolyposis colorectal neoplasms. Identifiers: MedGen C0009405, MeSH D003123.
Hereditary cancer-predisposing syndrome. Also called: Hereditary Cancer Syndrome; Hereditary neoplastic syndrome; Neoplastic Syndromes, Hereditary; Tumor predisposition. Identifiers: Orphanet 140162, MedGen C0027672, MeSH D009386, MONDO:0015356.

Allele frequency attached by ClinVar (database versions not stated): gnomAD exomes below 0.00001.
gnomAD v4.1: 1 of 1,612,040 alleles (0.000062%); highest among the groups gnomAD compares: Admixed American, 0.0017%; no homozygotes.

Submissions (2):

Ambry Genetics
Classification: Uncertain significance for Hereditary cancer-predisposing syndrome. Last evaluated: 2025-01-02. Review status: criteria provided, single submitter. Criteria: Ambry Variant Classification Scheme 2023. Collection method: clinical testing. Allele origin: germline.
Comment: The p.W1047C variant (also known as c.3141G>C), located in coding exon 4 of the MSH6 gene, results from a G to C substitution at nucleotide position 3141. The tryptophan at codon 1047 is replaced by cysteine, an amino acid with highly dissimilar properties. This amino acid position is highly conserved in available vertebrate species. In addition, this alteration is predicted to be deleterious by in silico analysis. Based on the available evidence, the clinical significance of this variant remains unclear.

Labcorp Genetics (formerly Invitae), Labcorp
Classification: Uncertain significance for Hereditary nonpolyposis colorectal neoplasms. Last evaluated: 2021-08-30. Review status: criteria provided, single submitter. Criteria: Invitae Variant Classification Sherloc (09022015). Collection method: clinical testing. Allele origin: germline.
Comment: Algorithms developed to predict the effect of missense changes on protein structure and function (SIFT, PolyPhen-2, Align-GVGD) all suggest that this variant is likely to be disruptive. ClinVar contains an entry for this variant (Variation ID: 455234). This variant has not been reported in the literature in individuals affected with MSH6-related conditions. This variant is not present in population databases (ExAC no frequency). This sequence change replaces tryptophan with cysteine at codon 1047 of the MSH6 protein (p.Trp1047Cys). The tryptophan residue is highly conserved and there is a large physicochemical difference between tryptophan and cysteine. In summary, the available evidence is currently insufficient to determine the role of this variant in disease. Therefore, it has been classified as a Variant of Uncertain Significance.